The following is an entry in ClinVar:

ClinVar aggregate classification (germline): Uncertain significance. Review status: criteria provided, multiple submitters, no conflicts (2 of 4 stars). 3 submissions from 3 submitters: Uncertain significance (3). Last evaluated 2026-04-07.

Conditions:
Inborn genetic diseases. Identifiers: MedGen C0950123, MeSH D030342.

Allele frequency attached by ClinVar (database versions not stated): ExAC 0.00008; ESP Exome Variant Server 0.00015; gnomAD 0.00009; gnomAD exomes 0.00009; TOPMed 0.00010.
gnomAD v4.1: 151 of 1,608,596 alleles (0.0094%); highest among the groups gnomAD compares: Non-Finnish European, 0.012%; no homozygotes.

Submissions (3):

GeneDx
Classification: Uncertain significance. Last evaluated: 2026-04-07. Review status: criteria provided, single submitter. Criteria: GeneDx Variant Classification Process June 2021. Collection method: clinical testing. Allele origin: germline.
Comment: Not observed at significant frequency in large population cohorts (gnomAD); In silico analysis supports that this missense variant has a deleterious effect on protein structure/function; Has not been previously published as pathogenic or benign to our knowledge

Labcorp Genetics (formerly Invitae), Labcorp
Classification: Uncertain significance. Last evaluated: 2025-11-27. Review status: criteria provided, single submitter. Criteria: Invitae Variant Classification Sherloc (09022015). Collection method: clinical testing. Allele origin: germline.
Comment: This sequence change replaces tryptophan, which is neutral and slightly polar, with arginine, which is basic and polar, at codon 66 of the MRPL44 protein (p.Trp66Arg). This variant is present in population databases (rs201778761, gnomAD 0.01%). This variant has not been reported in the literature in individuals affected with MRPL44-related conditions. ClinVar contains an entry for this variant (Variation ID: 1479017). Invitae Evidence Modeling of protein sequence and biophysical properties (such as structural, functional, and spatial information, amino acid conservation, physicochemical variation, residue mobility, and thermodynamic stability) indicates that this missense variant is not expected to disrupt MRPL44 protein function with a negative predictive value of 80%. In summary, the available evidence is currently insufficient to determine the role of this variant in disease. Therefore, it has been classified as a Variant of Uncertain Significance.

Ambry Genetics
Classification: Uncertain significance for Inborn genetic diseases. Last evaluated: 2025-10-14. Review status: criteria provided, single submitter. Criteria: Ambry Variant Classification Scheme 2023. Collection method: clinical testing. Allele origin: germline.

NM_022915.5(MRPL44):c.196T>C (p.Trp66Arg)

Gene: MRPL44 (mitochondrial ribosomal protein L44; plus strand). Cytogenetic location: 2q36.1.
Variant type: single nucleotide variant.
Coding change: c.196T>C on transcript NM_022915.5 (MANE Select); coding-DNA position 196, T replaced by C.
Protein change: p.Trp66Arg; replaces tryptophan 66 with arginine.
Molecular consequence: missense variant.
Genome position (GRCh38, 1-based): chr2:223,959,550, T>C. VCF-style: chr2-223959550-T-C. GRCh37 (hg19) VCF-style: chr2-224824267-T-C.
Other names: c.196T>C (NM_022915.3); short protein forms W66R.
Identifiers: ClinVar variation 1479017 (VCV001479017.10), dbSNP rs201778761, ClinGen allele CA2139014.